The following is an entry in ClinVar:

NM_024529.5(CDC73):c.1031-5C>T

Gene: CDC73 (cell division cycle 73; plus strand). Cytogenetic location: 1q31.2.
Variant type: single nucleotide variant.
Coding change: c.1031-5C>T on transcript NM_024529.5 (MANE Select); 5 bases into the intron before coding-DNA position 1031, C replaced by T.
Molecular consequence: intron variant.
Genome position (GRCh38, 1-based): chr1:193,212,060, C>T. VCF-style: chr1-193212060-C-T. GRCh37 (hg19) VCF-style: chr1-193181190-C-T.
Identifiers: ClinVar variation 412626 (VCV000412626.19), dbSNP rs746118697, ClinGen allele CA1303739.

ClinVar aggregate classification (germline): Conflicting classifications of pathogenicity. Review status: criteria provided, conflicting classifications (1 of 4 stars). 3 submissions from 3 submitters: Uncertain significance (1); Likely benign (2). Last evaluated 2025-10-14.

Conditions:
Hereditary cancer-predisposing syndrome. Also called: Neoplastic Syndromes, Hereditary; Tumor predisposition; Hereditary Cancer Syndrome; Hereditary neoplastic syndrome. Identifiers: Orphanet 140162, MedGen C0027672, MeSH D009386, MONDO:0015356.
Parathyroid carcinoma (PRTC). Also called: Parathyroid gland carcinoma; CDC73-Related Parathyroid Carcinoma. Identifiers: Orphanet 143, MedGen C0687150, MONDO:0012004, OMIM 608266, HP:0006780.

Allele frequency attached by ClinVar (database versions not stated): ExAC below 0.00001; gnomAD exomes 0.00001; gnomAD 0.00005.
gnomAD v4.1: 19 of 1,577,634 alleles (0.0012%); highest among the groups gnomAD compares: Admixed American, 0.028%; no homozygotes.

Submissions (3):

Labcorp Genetics (formerly Invitae), Labcorp
Classification: Likely benign for Parathyroid carcinoma. Last evaluated: 2025-10-14. Review status: criteria provided, single submitter. Criteria: Invitae Variant Classification Sherloc (09022015). Collection method: clinical testing. Allele origin: germline.

Ambry Genetics
Classification: Likely benign for Hereditary cancer-predisposing syndrome. Last evaluated: 2023-08-21. Review status: criteria provided, single submitter. Criteria: Ambry Variant Classification Scheme 2023. Collection method: clinical testing. Allele origin: germline.

Sema4
Classification: Uncertain significance for Hereditary cancer-predisposing syndrome. Last evaluated: 2022-02-13. Review status: criteria provided, single submitter. Criteria: Sema4 Curation Guidelines. Collection method: curation. Allele origin: germline.
Comment: The CDC73 c.1031-5C>T variant has not been reported in the literature to our knowledge. It was not observed in the large and broad cohorts of the Genome Aggregation Database (PMID: 32461654), however the frequency information for this genomic region is unreliable. This variant has been reported in ClinVar (Variation ID 412626). In silico tools suggest that the variant does not impact splicing, though these predictions have not been confirmed by functional studies. The evidence is insufficient to meet ACMG/AMP criteria for classifying the variant as benign or pathogenic. Thus, the clinical significance of this variant is currently uncertain.